The following is an entry in ClinVar:

ClinVar aggregate classification (germline): Conflicting classifications of pathogenicity. Review status: criteria provided, conflicting classifications (1 of 4 stars). 6 submissions from 6 submitters: Uncertain significance (1); Benign (2); Likely benign (2). 1 of the submissions does not count toward it. Last evaluated 2026-06-01.

Conditions:
Inborn genetic diseases. Identifiers: MedGen C0950123, MeSH D030342.
CHD8-related disorder. Also called: CHD8-related condition; CHD8-related disorders.

Allele frequency attached by ClinVar (database versions not stated): gnomAD exomes 0.00004 and 0.00013; ExAC 0.00021; ESP Exome Variant Server 0.00024; gnomAD 0.00057 and 0.00058; TOPMed 0.00063; 1000 Genomes Project 0.00120; 1000 Genomes Project 30x 0.00125.
gnomAD v4.1: 160 of 1,614,036 alleles (0.0099%); highest among the groups gnomAD compares: African/African-American, 0.19%; no homozygotes.

Submissions (6):

CeGaT Center for Human Genetics Tuebingen
Classification: Likely benign. Last evaluated: 2026-06-01. Review status: criteria provided, single submitter. Criteria: CeGaT Center For Human Genetics Tuebingen Variant Classification Criteria Version 2. Collection method: clinical testing. Allele origin: germline. Affected: yes. Observed: 2 variant alleles.
Comment: CHD8: BP4, BP7, BS1

Labcorp Genetics (formerly Invitae), Labcorp
Classification: Benign. Last evaluated: 2025-11-25. Review status: criteria provided, single submitter. Criteria: Invitae Variant Classification Sherloc (09022015). Collection method: clinical testing. Allele origin: germline.

GeneDx
Classification: Benign. Last evaluated: 2019-05-14. Review status: criteria provided, single submitter. Criteria: GeneDx Variant Classification Process June 2021. Collection method: clinical testing. Allele origin: germline. Affected: yes.

Ambry Genetics
Classification: Likely benign for Inborn genetic diseases. Last evaluated: 2016-08-11. Review status: criteria provided, single submitter. Criteria: Ambry Variant Classification Scheme 2023. Collection method: clinical testing. Allele origin: germline.

Eurofins Ntd Llc (ga)
Classification: Uncertain significance. Last evaluated: 2015-04-08. Review status: criteria provided, single submitter. Criteria: EGL Classification Definitions 2015. Collection method: clinical testing. Allele origin: germline. Observed: 1 variant allele, 1 heterozygote.

PreventionGenetics, part of Exact Sciences
Classification: Likely benign for CHD8-related condition. Last evaluated: 2019-04-25. Review status: no assertion criteria provided. Collection method: clinical testing. Allele origin: germline. Not counted in ClinVar's aggregate classification.
Comment: This variant is classified as likely benign based on ACMG/AMP sequence variant interpretation guidelines (Richards et al. 2015 PMID: 25741868, with internal and published modifications).

NM_001170629.2(CHD8):c.1407T>C (p.Ile469=)

Gene: CHD8 (chromodomain helicase DNA binding protein 8; minus strand). Cytogenetic location: 14q11.2.
Variant type: single nucleotide variant.
Coding change: c.1407T>C on transcript NM_001170629.2 (MANE Select); coding-DNA position 1407, T replaced by C.
Protein change: p.Ile469=; no amino-acid change (isoleucine 469 retained).
Molecular consequence: synonymous variant.
Genome position (GRCh38, 1-based): chr14:21,428,063, A>G on the plus strand (T>C on the coding strand, the complement: CHD8 is on the minus strand). VCF-style: chr14-21428063-A-G. GRCh37 (hg19) VCF-style: chr14-21896222-A-G.
Other names: c.570T>C, p.Ile190= (NM_020920.4).
Identifiers: ClinVar variation 196317 (VCV000196317.41), dbSNP rs190978463, ClinGen allele CA243225.